The following is an entry in ClinVar:

NM_001849.4(COL6A2):c.1758C>A (p.Asp586Glu)

Gene: COL6A2 (collagen type VI alpha 2 chain; plus strand). Cytogenetic location: 21q22.3.
Variant type: single nucleotide variant.
Coding change: c.1758C>A on transcript NM_001849.4 (MANE Select); coding-DNA position 1758, C replaced by A.
Protein change: p.Asp586Glu; replaces aspartic acid 586 with glutamic acid.
Molecular consequence: missense variant.
Genome position (GRCh38, 1-based): chr21:46,124,908, C>A. VCF-style: chr21-46124908-C-A. GRCh37 (hg19) VCF-style: chr21-47544822-C-A.
Other names: c.1758C>A, p.Asp586Glu (NM_058174.3, NM_058175.3); short protein forms D586E.
Identifiers: ClinVar variation 1002542 (VCV001002542.9), dbSNP rs1568938716, ClinGen allele CA410537619.

ClinVar aggregate classification (germline): Uncertain significance (1 of 4 stars; one submission).

Conditions:
Bethlem myopathy 1A. Also called: Bethlem Muscular Dystrophy; MYOPATHY, BENIGN CONGENITAL, WITH CONTRACTURES; Bethlem myopathy 1. Identifiers: Orphanet 610, MedGen CN029274, MONDO:0024530, OMIM 158810.

Allele frequency attached by ClinVar (database versions not stated): gnomAD exomes below 0.00001.
gnomAD v4.1: 2 of 1,612,910 alleles (0.00012%); highest among the groups gnomAD compares: African/African-American, 0.0027%; no homozygotes.

Submission:

Labcorp Genetics (formerly Invitae), Labcorp
Classification: Uncertain significance for Bethlem myopathy 1A. Last evaluated: 2022-05-08. Review status: criteria provided, single submitter. Criteria: Invitae Variant Classification Sherloc (09022015). Collection method: clinical testing. Allele origin: germline.
Comment: This sequence change replaces aspartic acid, which is acidic and polar, with glutamic acid, which is acidic and polar, at codon 586 of the COL6A2 protein (p.Asp586Glu). This variant is not present in population databases (gnomAD no frequency). This variant has not been reported in the literature in individuals affected with COL6A2-related conditions. ClinVar contains an entry for this variant (Variation ID: 1002542). Advanced modeling of protein sequence and biophysical properties (such as structural, functional, and spatial information, amino acid conservation, physicochemical variation, residue mobility, and thermodynamic stability) performed at Invitae indicates that this missense variant is not expected to disrupt COL6A2 protein function. In summary, the available evidence is currently insufficient to determine the role of this variant in disease. Therefore, it has been classified as a Variant of Uncertain Significance.